The following is an entry in ClinVar:

NM_001267550.2(TTN):c.89006dup (p.Leu29670fs)

Genes: TTN-AS1 (TTN antisense RNA 1; plus strand), TTN (titin; minus strand). Cytogenetic location: 2q31.2.
Variant type: Duplication.
Coding change: c.89006dup on transcript NM_001267550.2 (MANE Select); coding-DNA position 89006, one base duplicated (T; older notation c.89006dupT).
Protein change: p.Leu29670fs; shifts the reading frame from leucine 29670.
Molecular consequence: frameshift variant.
Genome position (GRCh38, 1-based): chr2:178,554,105, A duplicated on the plus strand (T on the coding strand, the reverse complement: TTN is on the minus strand); the first of 3 consecutive A bases (chr2:178,554,105-178,554,107); duplicating any one gives the same sequence. VCF-style (leftmost placement, unchanged base first): chr2-178554104-G-GA. GRCh37 (hg19) VCF-style: chr2-179418831-G-GA.
Other names: c.84083dup, p.Leu28029fs (NM_001256850.1); c.61811dup, p.Leu20605fs (NM_003319.4); c.81302dup, p.Leu27102fs (NM_133378.4); c.62186dup, p.Leu20730fs (NM_133432.3); c.62387dup, p.Leu20797fs (NM_133437.4); c.84083dupT (NM_001256850.1); c.89006dup (NM_001267550.1); c.61811dupT (NM_003319.4); short protein forms L28029fs, L20797fs, L29670fs, L20605fs, L20730fs, L27102fs.
Identifiers: ClinVar variation 202489 (VCV000202489.16), dbSNP rs794729361, ClinGen allele CA309452.
Genomic context (GRCh38, chr2:178,554,104, plus strand): 5'-ACGGATAGTCTCTTTTAGTACTTTAAACCATCCTAGGCTCTTCTTGTCTCGTTTTTCAAG[G>GA]AAATAGCCACTTATATCACTACCGCCATCTGCAATTGGCCTGCTCCATACAACAGTCATC-3'

ClinVar aggregate classification (germline): Pathogenic/Likely pathogenic. Review status: criteria provided, multiple submitters, no conflicts (2 of 4 stars). 3 submissions from 3 submitters: Pathogenic (2); Likely pathogenic (1). Last evaluated 2025-06-03.

Conditions:
Cardiovascular phenotype. Identifiers: MedGen CN230736.
Dilated cardiomyopathy 1G (CMD1G). Identifiers: Orphanet 154, MedGen C1858763, MONDO:0011400, OMIM 604145.
Autosomal recessive limb-girdle muscular dystrophy type 2J (LGMDR10). Also called: MUSCULAR DYSTROPHY, LIMB-GIRDLE, AUTOSOMAL RECESSIVE 10; Limb-girdle muscular dystrophy, type 2J. Identifiers: Orphanet 140922, MedGen C1837342, MONDO:0012127, OMIM 608807.

Submissions (3):

GeneDx
Classification: Pathogenic. Last evaluated: 2025-06-03. Review status: criteria provided, single submitter. Criteria: GeneDx Variant Classification Process June 2021. Collection method: clinical testing. Allele origin: germline. Affected: yes.
Comment: Frameshift variant predicted to result in protein truncation or nonsense mediated decay in a gene for which loss of function is a known mechanism of disease; Located in the A-band, a region of TTN for which truncating variants are significantly associated with autosomal dominant cardiomyopathy and also with autosomal recessive skeletal myopathies (PMID: 22335739, 32778822); Not observed at significant frequency in large population cohorts (gnomAD); This variant is associated with the following publications: (PMID: 22335739, 32778822, 25179549)

Ambry Genetics
Classification: Pathogenic for Cardiovascular phenotype. Last evaluated: 2025-05-14. Review status: criteria provided, single submitter. Criteria: Ambry Variant Classification Scheme 2023. Collection method: clinical testing. Allele origin: germline.
Comment: The c.61811dupT pathogenic mutation, located in coding exon 160 of the TTN gene, results from a duplication of T at nucleotide position 61811, causing a translational frameshift with a predicted alternate stop codon (p.L20605Pfs*2). This exon is located in the A-band region of the N2-B isoform of the titin protein and is constitutively expressed in TTN transcripts (percent spliced in or PSI 100%). This variant was identified in one or more individuals with features consistent with dilated cardiomyopathy and segregated with disease in at least one family (Golbus JR et al. Circ Cardiovasc Genet, 2014 Dec;7:751-759; Ambry internal data). This variant is considered to be rare based on population cohorts in the Genome Aggregation Database (gnomAD). This variant is expected to result in loss of function by premature protein truncation or nonsense-mediated mRNA decay. While truncating variants in TTN are present in 1-3% of the general population, truncating variants in the A-band are the most common cause of dilated cardiomyopathy (Herman DS et al. N. Engl. J. Med., 2012 Feb;366:619-28; Roberts AM et al. Sci Transl Med, 2015 Jan;7:270ra6). TTN truncating variants encoded in constitutive exons (PSI >90%) have been found to be significantly associated with DCM regardless of their position in titin (Schafer S et al. Nat. Genet., 2017 01;49:46-53; Akhtar MM et al. Circ Heart Fail, 2020 Oct;13:e006832; Massier M et al. Clin Genet, 2025 Jan). Based on the supporting evidence, this variant is interpreted as a disease-causing mutation.

Labcorp Genetics (formerly Invitae), Labcorp
Classification: Likely pathogenic for Dilated cardiomyopathy 1G; Autosomal recessive limb-girdle muscular dystrophy type 2J. Last evaluated: 2022-12-12. Review status: criteria provided, single submitter. Criteria: Invitae Variant Classification Sherloc (09022015). Collection method: clinical testing. Allele origin: germline.
Comment: This sequence change creates a premature translational stop signal (p.Leu29670Profs*2) in the TTN gene. While this is not anticipated to result in nonsense mediated decay, it is expected to create a truncated TTN protein. This variant is not present in population databases (gnomAD no frequency). This variant has not been reported in the literature in individuals affected with TTN-related conditions. ClinVar contains an entry for this variant (Variation ID: 202489). This variant is located in the A band of TTN (PMID: 25589632). Truncating variants in this region are significantly overrepresented in patients affected with dilated cardiomyopathy (PMID: 25589632). Truncating variants in this region have also been reported in individuals affected with autosomal recessive centronuclear myopathy (PMID: 23975875). In summary, the currently available evidence indicates that the variant is pathogenic, but additional data are needed to prove that conclusively. Therefore, this variant has been classified as Likely Pathogenic.

Literature cited by the submitters: PubMed 25179549 (cited by Ambry Genetics); PubMed 25589632 (cited by Labcorp Genetics (formerly Invitae), Labcorp); PubMed 23975875 (cited by Labcorp Genetics (formerly Invitae), Labcorp).